The following is an entry in ClinVar:

ClinVar aggregate classification (germline): Uncertain significance (1 of 4 stars; one submission).

gnomAD v4.1: 9 of 1,613,800 alleles (0.00056%); highest among the groups gnomAD compares: East Asian, 0.0089%; no homozygotes.

Submission:

Labcorp Genetics (formerly Invitae), Labcorp
Classification: Uncertain significance. Last evaluated: 2024-10-17. Review status: criteria provided, single submitter. Criteria: Invitae Variant Classification Sherloc (09022015). Collection method: clinical testing. Allele origin: germline.
Comment: This sequence change replaces glycine, which is neutral and non-polar, with arginine, which is basic and polar, at codon 771 of the ADCY1 protein (p.Gly771Arg). This variant is present in population databases (rs200275390, gnomAD 0.006%). This variant has not been reported in the literature in individuals affected with ADCY1-related conditions. An algorithm developed to predict the effect of missense changes on protein structure and function (PolyPhen-2) suggests that this variant is likely to be tolerated. In summary, the available evidence is currently insufficient to determine the role of this variant in disease. Therefore, it has been classified as a Variant of Uncertain Significance.

NM_021116.4(ADCY1):c.2311G>A (p.Gly771Arg)

Gene: ADCY1 (adenylate cyclase 1; plus strand). Cytogenetic location: 7p12.3.
Variant type: single nucleotide variant.
Coding change: c.2311G>A on transcript NM_021116.4 (MANE Select); coding-DNA position 2311, G replaced by A.
Protein change: p.Gly771Arg; replaces glycine 771 with arginine.
Molecular consequence: missense variant.
Genome position (GRCh38, 1-based): chr7:45,686,199, G>A. VCF-style: chr7-45686199-G-A. GRCh37 (hg19) VCF-style: chr7-45725798-G-A.
Other names: short protein forms G771R.
Identifiers: ClinVar variation 3612107 (VCV003612107.2).